The following is an entry in ClinVar:

ClinVar aggregate classification (germline): Uncertain significance (1 of 4 stars; one submission).

Submission:

GeneDx
Classification: Uncertain significance. Last evaluated: 2026-03-10. Review status: criteria provided, single submitter. Criteria: GeneDx Variant Classification Process June 2021. Collection method: clinical testing. Allele origin: germline.
Comment: Not observed at significant frequency in large population cohorts (gnomAD); In silico analysis supports that this missense variant has a deleterious effect on protein structure/function; Has not been previously published as pathogenic or benign to our knowledge

NM_032217.5(ANKRD17):c.3506T>C (p.Leu1169Ser)

Gene: ANKRD17 (ankyrin repeat domain 17; minus strand). Cytogenetic location: 4q13.3.
Variant type: single nucleotide variant.
Coding change: c.3506T>C on transcript NM_032217.5 (MANE Select); coding-DNA position 3506, T replaced by C.
Protein change: p.Leu1169Ser; replaces leucine 1169 with serine.
Molecular consequence: missense variant.
Genome position (GRCh38, 1-based): chr4:73,121,746, A>G on the plus strand (T>C on the coding strand, the complement: ANKRD17 is on the minus strand). VCF-style: chr4-73121746-A-G. GRCh37 (hg19) VCF-style: chr4-73987463-A-G.
Other names: c.3167T>C, p.Leu1056Ser (NM_001286771.3); c.3503T>C, p.Leu1168Ser (NM_015574.2); c.2753T>C, p.Leu918Ser (NM_198889.3); short protein forms L1056S, L1168S, L1169S, L918S.
Identifiers: ClinVar variation 3369658 (VCV003369658.2).